The following is an entry in ClinVar:

NM_000302.4(PLOD1):c.1697G>A (p.Cys566Tyr)

Gene: PLOD1 (procollagen-lysine,2-oxoglutarate 5-dioxygenase 1; plus strand). Cytogenetic location: 1p36.22.
Variant type: single nucleotide variant.
Coding change: c.1697G>A on transcript NM_000302.4 (MANE Select); coding-DNA position 1697, G replaced by A.
Protein change: p.Cys566Tyr; replaces cysteine 566 with tyrosine.
Molecular consequence: missense variant.
Genome position (GRCh38, 1-based): chr1:11,967,033, G>A. VCF-style: chr1-11967033-G-A. GRCh37 (hg19) VCF-style: chr1-12027090-G-A.
Other names: c.1838G>A, p.Cys613Tyr (NM_001316320.2); short protein forms C566Y, C613Y.
Identifiers: ClinVar variation 3629542 (VCV003629542.3).

ClinVar aggregate classification (germline): Uncertain significance. Review status: criteria provided, multiple submitters, no conflicts (2 of 4 stars). 2 submissions from 2 submitters: Uncertain significance (2). Last evaluated 2025-12-29.

gnomAD v4.1: 1 of 1,613,990 alleles (0.000062%); highest among the groups gnomAD compares: Non-Finnish European, 0.000085%; no homozygotes.

Submissions (2):

Center for Genomic Medicine, Rigshospitalet, Copenhagen University Hospital
Classification: Uncertain significance. Last evaluated: 2025-12-29. Review status: criteria provided, single submitter. Criteria: ACMG Guidelines, 2015. Collection method: clinical testing. Allele origin: germline.

Women's Health and Genetics/Laboratory Corporation of America, LabCorp
Classification: Uncertain significance. Last evaluated: 2024-11-26. Review status: criteria provided, single submitter. Criteria: LabCorp Variant Classification Summary - May 2015. Collection method: clinical testing. Allele origin: germline.
Comment: Variant summary: PLOD1 c.1697G>A (p.Cys566Tyr) results in a non-conservative amino acid change located in the Prolyl 4-hydroxylase, alpha subunit (IPR006620) of the encoded protein sequence. Five of five in-silico tools predict a damaging effect of the variant on protein function. The variant allele was found at a frequency of 4e-06 in 251428 control chromosomes (gnomAD). c.1697G>A has been reported in the literature in at least one individual affected with Kyphoscoliotic Ehlers-Danlos syndrome (Ni_2020). These data indicate that the variant may be associated with disease. To our knowledge, no experimental evidence demonstrating an impact on protein function has been reported. The following publication have been ascertained in the context of this evaluation (PMID: 33129265). No submitters have cited clinical-significance assessments for this variant to ClinVar. Based on the evidence outlined above, the variant was classified as VUS-possibly pathogenic.

Literature cited by the submitters: PubMed 33129265 (cited by Center for Genomic Medicine, Rigshospitalet, Copenhagen University Hospital and Women's Health and Genetics/Laboratory Corporation of America, LabCorp).